The following is an entry in ClinVar:

ClinVar aggregate classification (germline): Uncertain significance. Review status: criteria provided, multiple submitters, no conflicts (2 of 4 stars). 2 submissions from 2 submitters: Uncertain significance (2). Last evaluated 2025-03-07.

Conditions:
Inborn genetic diseases. Identifiers: MedGen C0950123, MeSH D030342.

Allele frequency attached by ClinVar (database versions not stated): ESP Exome Variant Server 0.00008; gnomAD exomes 0.00003; gnomAD 0.00004; ExAC 0.00006.
gnomAD v4.1: 59 of 1,614,080 alleles (0.0037%); highest among the groups gnomAD compares: Middle Eastern, 0.033%; no homozygotes.

Submissions (2):

Ambry Genetics
Classification: Uncertain significance for Inborn genetic diseases. Last evaluated: 2025-03-07. Review status: criteria provided, single submitter. Criteria: Ambry Variant Classification Scheme 2023. Collection method: clinical testing. Allele origin: germline.

Labcorp Genetics (formerly Invitae), Labcorp
Classification: Uncertain significance. Last evaluated: 2022-08-10. Review status: criteria provided, single submitter. Criteria: Invitae Variant Classification Sherloc (09022015). Collection method: clinical testing. Allele origin: germline.
Comment: This sequence change replaces arginine, which is basic and polar, with histidine, which is basic and polar, at codon 1060 of the DHX37 protein (p.Arg1060His). This variant is present in population databases (rs370842676, gnomAD 0.01%). This variant has not been reported in the literature in individuals affected with DHX37-related conditions. Algorithms developed to predict the effect of missense changes on protein structure and function are either unavailable or do not agree on the potential impact of this missense change (SIFT: "Tolerated"; PolyPhen-2: "Possibly Damaging"; Align-GVGD: "Class C0"). In summary, the available evidence is currently insufficient to determine the role of this variant in disease. Therefore, it has been classified as a Variant of Uncertain Significance.

NM_032656.4(DHX37):c.3179G>A (p.Arg1060His)

Gene: DHX37 (DEAH-box helicase 37; minus strand). Cytogenetic location: 12q24.31.
Variant type: single nucleotide variant.
Coding change: c.3179G>A on transcript NM_032656.4 (MANE Select); coding-DNA position 3179, G replaced by A.
Protein change: p.Arg1060His; replaces arginine 1060 with histidine.
Molecular consequence: missense variant.
Genome position (GRCh38, 1-based): chr12:124,950,186, C>T on the plus strand (G>A on the coding strand, the complement: DHX37 is on the minus strand). VCF-style: chr12-124950186-C-T. GRCh37 (hg19) VCF-style: chr12-125434732-C-T.
Other names: c.3179G>A (NM_032656.3); short protein forms R1060H.
Identifiers: ClinVar variation 2043946 (VCV002043946.5), dbSNP rs370842676, ClinGen allele CA6871326.